The following is an entry in ClinVar:

NM_000051.4(ATM):c.8268+9T>C

Genes: ATM (ATM serine/threonine kinase; plus strand), C11orf65 (chromosome 11 open reading frame 65; minus strand). Cytogenetic location: 11q22.3.
Variant type: single nucleotide variant.
Coding change: c.8268+9T>C on transcript NM_000051.4 (MANE Select); 9 bases into the intron after coding-DNA position 8268, T replaced by C.
Molecular consequence: intron variant.
Genome position (GRCh38, 1-based): chr11:108,335,970, T>C. VCF-style: chr11-108335970-T-C. GRCh37 (hg19) VCF-style: chr11-108206697-T-C.
Other names: c.8268+9T>C (NM_001351834.2); c.641-26899A>G (NM_001330368.2); c.695-678A>G (NM_001351110.2).
Identifiers: ClinVar variation 1601934 (VCV001601934.10), dbSNP rs2136701769, ClinGen allele CA2573146695.

ClinVar aggregate classification (germline): Likely benign. Review status: criteria provided, multiple submitters, no conflicts (2 of 4 stars). 2 submissions from 2 submitters: Likely benign (2). Last evaluated 2026-01-12.

Conditions:
Familial cancer of breast. Also called: BREAST CANCER, FAMILIAL; Hereditary breast cancer; hereditary breast carcinoma. Identifiers: Orphanet 227535, MedGen C0346153, MONDO:0016419, OMIM 114480. Disease mechanism: loss of function.
Ataxia-telangiectasia syndrome (AT). Also called: LOUIS-BAR SYNDROME; Cerebello-oculocutaneous telangiectasia; Immunodeficiency with ataxia telangiectasia; Ataxia telangiectasia (A-T); Ataxia-telangiectasia, complementation group D; AT, COMPLEMENTATION GROUP C. Identifiers: Orphanet 100, MedGen C0004135, MONDO:0008840, OMIM 208900.

Allele frequency attached by ClinVar (database versions not stated): gnomAD exomes below 0.00001.
gnomAD v4.1: 1 of 1,584,714 alleles (0.000063%); highest among the groups gnomAD compares: African/African-American, 0.0013%; no homozygotes.

Submissions (2):

Labcorp Genetics (formerly Invitae), Labcorp
Classification: Likely benign for Ataxia-telangiectasia syndrome. Last evaluated: 2026-01-12. Review status: criteria provided, single submitter. Criteria: Invitae Variant Classification Sherloc (09022015). Collection method: clinical testing. Allele origin: germline.

Myriad Genetics, Inc.
Classification: Likely benign for Familial cancer of breast. Last evaluated: 2024-06-19. Review status: criteria provided, single submitter. Criteria: Myriad Autosomal Dominant, Autosomal Recessive and X-Linked Classification Criteria (2023). Collection method: clinical testing. Allele origin: unknown.
Comment: This variant is considered likely benign. This variant is intronic and is not expected to impact mRNA splicing.